The following is an entry in ClinVar:

ClinVar aggregate classification (germline): Uncertain significance (1 of 4 stars; one submission).

Conditions:
Inborn genetic diseases. Identifiers: MedGen C0950123, MeSH D030342.

Submission:

Ambry Genetics
Classification: Uncertain significance for Inborn genetic diseases. Last evaluated: 2025-10-08. Review status: criteria provided, single submitter. Criteria: Ambry Variant Classification Scheme 2023. Collection method: clinical testing. Allele origin: germline.
Comment: The p.T683S variant (also known as c.2048C>G), located in coding exon 13 of the ASXL1 gene, results from a C to G substitution at nucleotide position 2048. The threonine at codon 683 is replaced by serine, an amino acid with similar properties. This amino acid position is conserved. In addition, this alteration is predicted to be tolerated by in silico analysis. Based on the available evidence, the clinical significance of this variant remains unclear.

NM_015338.6(ASXL1):c.2048C>G (p.Thr683Ser)

Gene: ASXL1 (ASXL transcriptional regulator 1; plus strand). Cytogenetic location: 20q11.21.
Variant type: single nucleotide variant.
Coding change: c.2048C>G on transcript NM_015338.6 (MANE Select); coding-DNA position 2048, C replaced by G.
Protein change: p.Thr683Ser; replaces threonine 683 with serine.
Molecular consequence: missense variant.
Genome position (GRCh38, 1-based): chr20:32,434,760, C>G. VCF-style: chr20-32434760-C-G. GRCh37 (hg19) VCF-style: chr20-31022563-C-G.
Other names: c.1865C>G, p.Thr622Ser (NM_001363734.1); short protein forms T622S, T683S.
Identifiers: ClinVar variation 4587701 (VCV004587701.1).